The following is an entry in ClinVar:

ClinVar aggregate classification (germline): Conflicting classifications of pathogenicity. Review status: criteria provided, conflicting classifications (1 of 4 stars). 4 submissions from 4 submitters: Uncertain significance (3); Likely benign (1). Last evaluated 2026-09-22.

Conditions:
Cardiovascular phenotype. Identifiers: MedGen CN230736.
ABCA1-related disorder. Also called: ABCA1-related condition; ABCA1-related disorders. Identifiers: MedGen CN239173.

Allele frequency attached by ClinVar (database versions not stated): TOPMed 0.00012; ExAC 0.00013; gnomAD 0.00016 and 0.00017; gnomAD exomes 0.00016 and 0.00018; ESP Exome Variant Server 0.00031.
gnomAD v4.1: 291 of 1,614,088 alleles (0.018%); highest among the groups gnomAD compares: Non-Finnish European, 0.022%; no homozygotes.

Submissions (4):

PreventionGenetics, part of Exact Sciences
Classification: Uncertain significance for ABCA1-related condition. Last evaluated: 2026-09-22. Review status: criteria provided, single submitter. Criteria: ACMG Guidelines, 2015. Collection method: clinical testing. Allele origin: germline.
Comment: The ABCA1 c.2444A>G variant is predicted to result in the amino acid substitution p.Glu815Gly. This variant has been reported in individuals with reduced plasma HDL cholesterol or reduced total cholesterol levels (Cohen et al. 2004. PubMed ID: 15297675; Service et al. 2014. PubMed ID: 24497850; Table S1, Peloso et al. 2015. PubMed ID: 26350511). A functional study showed that this variant has ABCA1 expression similar to wildtype (Teigen et al. 2023. PubMed ID: 38052254). This variant is reported in 0.044% of alleles in individuals of European (Finnish) descent in gnomAD. At this time, the clinical significance of this variant is uncertain due to the absence of conclusive functional and genetic evidence.

Labcorp Genetics (formerly Invitae), Labcorp
Classification: Likely benign. Last evaluated: 2025-12-26. Review status: criteria provided, single submitter. Criteria: Invitae Variant Classification Sherloc (09022015). Collection method: clinical testing. Allele origin: germline.

Ambry Genetics
Classification: Uncertain significance for Cardiovascular phenotype. Last evaluated: 2024-07-30. Review status: criteria provided, single submitter. Criteria: Ambry Variant Classification Scheme 2023. Collection method: clinical testing. Allele origin: germline.
Comment: The p.E815G variant (also known as c.2444A>G), located in coding exon 16 of the ABCA1 gene, results from an A to G substitution at nucleotide position 2444. The glutamic acid at codon 815 is replaced by glycine, an amino acid with similar properties. This variant has been detected in individuals from cohorts with low HDL cholesterol (Cohen JC et al. Science, 2004 Aug;305:869-72; Peloso GM et al. Eur J Hum Genet, 2016 Jun;24:924-30). Functional studies by one group suggest this variant may result in protein expression and activity similar to wild type; however, additional evidence is needed to confirm these findings (Teigen M et al. J Lipid Res, 2024 Jan;65:100482). This amino acid position is well conserved in available vertebrate species. In addition, the in silico prediction for this alteration is inconclusive. Based on the available evidence, the clinical significance of this variant remains unclear.

Mayo Clinic Laboratories, Mayo Clinic
Classification: Uncertain significance. Last evaluated: 2019-08-26. Review status: criteria provided, single submitter. Criteria: ACMG Guidelines, 2015. Collection method: clinical testing. Allele origin: germline. Observed: 1 variant allele.

Literature cited by the submitters: PubMed 15297675 (cited by Ambry Genetics); PubMed 26350511 (cited by Ambry Genetics); PubMed 38052254 (cited by Ambry Genetics).

NM_005502.4(ABCA1):c.2444A>G (p.Glu815Gly)

Gene: ABCA1 (ATP binding cassette subfamily A member 1; minus strand). Cytogenetic location: 9q31.1.
Variant type: single nucleotide variant.
Coding change: c.2444A>G on transcript NM_005502.4 (MANE Select); coding-DNA position 2444, A replaced by G.
Protein change: p.Glu815Gly; replaces glutamic acid 815 with glycine.
Molecular consequence: missense variant.
Genome position (GRCh38, 1-based): chr9:104,825,781, T>C on the plus strand (A>G on the coding strand, the complement: ABCA1 is on the minus strand). VCF-style: chr9-104825781-T-C. GRCh37 (hg19) VCF-style: chr9-107588062-T-C.
Other names: short protein forms E815G.
Identifiers: ClinVar variation 1163897 (VCV001163897.10), dbSNP rs145582736, ClinGen allele CA5168730.